The following is an entry in ClinVar:

NM_000868.4(HTR2C):c.551-10C>A

Genes: HTR2C (5-hydroxytryptamine receptor 2C; plus strand), LOC126863306 (MED14-independent group 3 enhancer GRCh37_chrX:114140926-114142125; plus strand). Cytogenetic location: Xq23.
Variant type: single nucleotide variant.
Coding change: c.551-10C>A on transcript NM_000868.4 (MANE Select); 10 bases into the intron before coding-DNA position 551, C replaced by A.
Molecular consequence: intron variant.
Genome position (GRCh38, 1-based): chrX:114,906,579, C>A. VCF-style: chrX-114906579-C-A. GRCh37 (hg19) VCF-style: chrX-114141142-C-A.
Other names: c.551-10C>A (NM_001256760.3); c.456-10C>A (NM_001256761.3).
Identifiers: ClinVar variation 3352046 (VCV003352046.1).

ClinVar aggregate classification (germline): Likely benign (0 of 4 stars; one submission).

Conditions:
HTR2C-related disorder. Also called: HTR2C-related condition.

gnomAD v4.1: 106 of 1,149,531 alleles (0.0092%); highest among the groups gnomAD compares: Non-Finnish European, 0.012%; no homozygotes.

Submission:

PreventionGenetics, part of Exact Sciences
Classification: Likely benign for HTR2C-related condition. Last evaluated: 2023-02-27. Review status: no assertion criteria provided. Collection method: clinical testing. Allele origin: germline.
Comment: This variant is classified as likely benign based on ACMG/AMP sequence variant interpretation guidelines (Richards et al. 2015 PMID: 25741868, with internal and published modifications).